The following is an entry in ClinVar:

NM_015073.3(SIPA1L3):c.2795G>A (p.Arg932Gln)

Gene: SIPA1L3 (signal induced proliferation associated 1 like 3; plus strand). Cytogenetic location: 19q13.13.
Variant type: single nucleotide variant.
Coding change: c.2795G>A on transcript NM_015073.3 (MANE Select); coding-DNA position 2795, G replaced by A.
Protein change: p.Arg932Gln; replaces arginine 932 with glutamine.
Molecular consequence: missense variant.
Genome position (GRCh38, 1-based): chr19:38,119,809, G>A. VCF-style: chr19-38119809-G-A. GRCh37 (hg19) VCF-style: chr19-38610449-G-A.
Other names: short protein forms R932Q.
Identifiers: ClinVar variation 3714937 (VCV003714937.2).
Genomic context (GRCh38, chr19:38,119,809, plus strand): 5'-ACTGCGGGGATGTCATTGGCTGGACTCCAGACTCCTCCACACTCAAAATCTTCTATGGAC[G>A]AGGAGACCACATCTTCCTACAGGCGACAGAGGGTTCTGTGGAGGACATAAGGGAGATAGT-3'
Protein context (NP_055888.1, residues 922-942): DSSTLKIFYG[Arg932Gln]GDHIFLQATE

ClinVar aggregate classification (germline): Uncertain significance (1 of 4 stars; one submission).

gnomAD v4.1: 20 of 1,613,624 alleles (0.0012%); highest among the groups gnomAD compares: African/African-American, 0.0067%; no homozygotes.

Submission:

Labcorp Genetics (formerly Invitae), Labcorp
Classification: Uncertain significance. Last evaluated: 2025-01-06. Review status: criteria provided, single submitter. Criteria: Invitae Variant Classification Sherloc (09022015). Collection method: clinical testing. Allele origin: germline.
Comment: This sequence change replaces arginine, which is basic and polar, with glutamine, which is neutral and polar, at codon 932 of the SIPA1L3 protein (p.Arg932Gln). This variant is present in population databases (rs765595675, gnomAD 0.01%). This variant has not been reported in the literature in individuals affected with SIPA1L3-related conditions. An algorithm developed to predict the effect of missense changes on protein structure and function outputs the following: PolyPhen-2: "Possibly Damaging". The glutamine amino acid residue is found in multiple mammalian species, which suggests that this missense change does not adversely affect protein function. In summary, the available evidence is currently insufficient to determine the role of this variant in disease. Therefore, it has been classified as a Variant of Uncertain Significance.